The following is an entry in ClinVar:

NM_014908.4(DOLK):c.703G>A (p.Val235Ile)

Gene: DOLK (dolichol kinase; minus strand). Cytogenetic location: 9q34.11.
Variant type: single nucleotide variant.
Coding change: c.703G>A on transcript NM_014908.4 (MANE Select); coding-DNA position 703, G replaced by A.
Protein change: p.Val235Ile; replaces valine 235 with isoleucine.
Molecular consequence: missense variant.
Genome position (GRCh38, 1-based): chr9:128,946,601, C>T on the plus strand (G>A on the coding strand, the complement: DOLK is on the minus strand). VCF-style: chr9-128946601-C-T. GRCh37 (hg19) VCF-style: chr9-131708880-C-T.
Other names: short protein forms V235I.
Identifiers: ClinVar variation 464203 (VCV000464203.11), dbSNP rs759019995, ClinGen allele CA5271700.

ClinVar aggregate classification (germline): Uncertain significance. Review status: criteria provided, multiple submitters, no conflicts (2 of 4 stars). 2 submissions from 2 submitters: Uncertain significance (2). Last evaluated 2025-10-27.

Conditions:
DK1-congenital disorder of glycosylation. Also called: CONGENITAL DISORDER OF GLYCOSYLATION, TYPE Im; CDG Im; DK1 DEFICIENCY; DOLICHOL KINASE DEFICIENCY; DOLK-congenital disorder of glycosylation; Carbohydrate deficient glycoprotein syndrome type 1m. Identifiers: Orphanet 91131, MedGen C1835849, MONDO:0012556, OMIM 610768.
Cardiovascular phenotype. Identifiers: MedGen CN230736.

Allele frequency attached by ClinVar (database versions not stated): gnomAD 0.00001 and 0.00002; gnomAD exomes 0.00001 and 0.00003; TOPMed 0.00001; ExAC 0.00003.
gnomAD v4.1: 20 of 1,614,102 alleles (0.0012%); highest among the groups gnomAD compares: East Asian, 0.013%; no homozygotes.

Submissions (2):

Ambry Genetics
Classification: Uncertain significance for Cardiovascular phenotype. Last evaluated: 2025-10-27. Review status: criteria provided, single submitter. Criteria: Ambry Variant Classification Scheme 2023. Collection method: clinical testing. Allele origin: germline.
Comment: The p.V235I variant (also known as c.703G>A), located in coding exon 1 of the DOLK gene, results from a G to A substitution at nucleotide position 703. The valine at codon 235 is replaced by isoleucine, an amino acid with highly similar properties. This amino acid position is conserved. In addition, this alteration is predicted to be tolerated by in silico analysis. Since supporting evidence is limited at this time, the clinical significance of this alteration remains unclear.

Labcorp Genetics (formerly Invitae), Labcorp
Classification: Uncertain significance for DK1-congenital disorder of glycosylation. Last evaluated: 2022-07-25. Review status: criteria provided, single submitter. Criteria: Invitae Variant Classification Sherloc (09022015). Collection method: clinical testing. Allele origin: germline.
Comment: This sequence change replaces valine, which is neutral and non-polar, with isoleucine, which is neutral and non-polar, at codon 235 of the DOLK protein (p.Val235Ile). This variant is present in population databases (rs759019995, gnomAD 0.02%). This variant has not been reported in the literature in individuals affected with DOLK-related conditions. ClinVar contains an entry for this variant (Variation ID: 464203). Algorithms developed to predict the effect of missense changes on protein structure and function (SIFT, PolyPhen-2, Align-GVGD) all suggest that this variant is likely to be tolerated. In summary, the available evidence is currently insufficient to determine the role of this variant in disease. Therefore, it has been classified as a Variant of Uncertain Significance.